The following is an entry in ClinVar:

NM_015102.5(NPHP4):c.2426A>C (p.Lys809Thr)

Gene: NPHP4 (nephrocystin 4; minus strand). Cytogenetic location: 1p36.31.
Variant type: single nucleotide variant.
Coding change: c.2426A>C on transcript NM_015102.5 (MANE Select); coding-DNA position 2426, A replaced by C.
Protein change: p.Lys809Thr; replaces lysine 809 with threonine.
Molecular consequence: missense variant. On other transcripts: non-coding transcript variant (1).
Genome position (GRCh38, 1-based): chr1:5,887,345, T>G on the plus strand (A>C on the coding strand, the complement: NPHP4 is on the minus strand). VCF-style: chr1-5887345-T-G. GRCh37 (hg19) VCF-style: chr1-5947405-T-G.
Other names: c.887A>C, p.Lys296Thr (NM_001291593.2); c.890A>C, p.Lys297Thr (NM_001291594.2); short protein forms K296T, K809T, K297T.
Identifiers: ClinVar variation 2046940 (VCV002046940.4), dbSNP rs747951355, ClinGen allele CA338058631.

ClinVar aggregate classification (germline): Uncertain significance (1 of 4 stars; one submission).

Conditions:
Nephronophthisis. Also called: Juvenile Nephronophthisis. Identifiers: Orphanet 655, MedGen C0687120, MONDO:0019005, HP:0000090.

gnomAD v4.1: 2 of 1,613,606 alleles (0.00012%); highest among the groups gnomAD compares: Non-Finnish European, 0.00017%; no homozygotes.

Submission:

Labcorp Genetics (formerly Invitae), Labcorp
Classification: Uncertain significance for Nephronophthisis. Last evaluated: 2021-12-18. Review status: criteria provided, single submitter. Criteria: Invitae Variant Classification Sherloc (09022015). Collection method: clinical testing. Allele origin: germline.
Comment: This sequence change replaces lysine, which is basic and polar, with threonine, which is neutral and polar, at codon 809 of the NPHP4 protein (p.Lys809Thr). This variant is present in population databases (no rsID available, gnomAD 0.0009%). This variant has not been reported in the literature in individuals affected with NPHP4-related conditions. Algorithms developed to predict the effect of missense changes on protein structure and function are either unavailable or do not agree on the potential impact of this missense change (SIFT: "Deleterious"; PolyPhen-2: "Possibly Damaging"; Align-GVGD: "Class C0"). In summary, the available evidence is currently insufficient to determine the role of this variant in disease. Therefore, it has been classified as a Variant of Uncertain Significance.